The following is an entry in ClinVar:

NM_014633.5(CTR9):c.419T>A (p.Leu140His)

Gene: CTR9 (CTR9 component of Paf1/RNA polymerase II complex; plus strand). Cytogenetic location: 11p15.4.
Variant type: single nucleotide variant.
Coding change: c.419T>A on transcript NM_014633.5 (MANE Select); coding-DNA position 419, T replaced by A.
Protein change: p.Leu140His; replaces leucine 140 with histidine.
Molecular consequence: missense variant.
Genome position (GRCh38, 1-based): chr11:10,755,712, T>A. VCF-style: chr11-10755712-T-A. GRCh37 (hg19) VCF-style: chr11-10777259-T-A.
Other names: c.419T>A, p.Leu140His (NM_001346279.2); short protein forms L140H.
Identifiers: ClinVar variation 4761724 (VCV004761724.1).
Genomic context (GRCh38, chr11:10,755,712, plus strand): 5'-ATCTAAGATAATACATTACTTCATAGAACCATTTGTTGGGAAGAGCCTGCTTCTGCCTAC[T>A]TGAGGGTGACAAAATGGATCAAGCTGATGCACAGTTTCATTTTGTACTCAATCAGTCTCC-3'
Protein context (NP_055448.1, residues 130-150): HLLGRACFCL[Leu140His]EGDKMDQADA

ClinVar aggregate classification (germline): Uncertain significance (1 of 4 stars; one submission).

gnomAD v4.1: 2 of 1,613,358 alleles (0.00012%); highest among the groups gnomAD compares: Non-Finnish European, 0.00017%; no homozygotes.

Submission:

Labcorp Genetics (formerly Invitae), Labcorp
Classification: Uncertain significance. Last evaluated: 2025-12-16. Review status: criteria provided, single submitter. Criteria: Invitae Variant Classification Sherloc (09022015). Collection method: clinical testing. Allele origin: germline.
Comment: This sequence change replaces leucine, which is neutral and non-polar, with histidine, which is basic and polar, at codon 140 of the CTR9 protein (p.Leu140His). This variant is not present in population databases (gnomAD no frequency). This variant has not been reported in the literature in individuals affected with CTR9-related conditions. An algorithm developed to predict the effect of missense changes on protein structure and function (PolyPhen-2) suggests that this variant is likely to be disruptive. In summary, the available evidence is currently insufficient to determine the role of this variant in disease. Therefore, it has been classified as a Variant of Uncertain Significance.